The following is an entry in ClinVar:

NM_004519.4(KCNQ3):c.2591T>C (p.Val864Ala)

Gene: KCNQ3 (potassium voltage-gated channel subfamily Q member 3; minus strand). Cytogenetic location: 8q24.22.
Variant type: single nucleotide variant.
Coding change: c.2591T>C on transcript NM_004519.4 (MANE Select); coding-DNA position 2591, T replaced by C.
Protein change: p.Val864Ala; replaces valine 864 with alanine.
Molecular consequence: missense variant.
Genome position (GRCh38, 1-based): chr8:132,129,290, A>G on the plus strand (T>C on the coding strand, the complement: KCNQ3 is on the minus strand). VCF-style: chr8-132129290-A-G. GRCh37 (hg19) VCF-style: chr8-133141537-A-G.
Other names: c.2231T>C, p.Val744Ala (NM_001204824.2); short protein forms V744A, V864A.
Identifiers: ClinVar variation 3372408 (VCV003372408.2).

ClinVar aggregate classification (germline): Uncertain significance (1 of 4 stars; one submission).

Submission:

GeneDx
Classification: Uncertain significance. Last evaluated: 2025-08-20. Review status: criteria provided, single submitter. Criteria: GeneDx Variant Classification Process June 2021. Collection method: clinical testing. Allele origin: germline. Affected: yes.
Comment: Not observed at significant frequency in large population cohorts (gnomAD); In silico analysis suggests that this missense variant does not alter protein structure/function; Has not been previously published as pathogenic or benign to our knowledge